The following is an entry in ClinVar:

NM_133433.4(NIPBL):c.8331del (p.Ala2777_Leu2778insTer)

Gene: NIPBL (NIPBL cohesin loading factor; plus strand). Cytogenetic location: 5p13.2.
Variant type: Deletion.
Coding change: c.8331del on transcript NM_133433.4 (MANE Select); coding-DNA position 8331, one base deleted (T; older notation c.8331delT).
Protein change: p.Ala2777_Leu2778insTer.
Molecular consequence: frameshift variant. On other transcripts: 3 prime UTR variant (1).
Genome position (GRCh38, 1-based): chr5:37,064,808, T deleted. VCF-style (leftmost placement, unchanged base first): chr5-37064807-CT-C. GRCh37 (hg19) VCF-style: chr5-37064909-CT-C.
Other names: c.*785del (NM_015384.5).
Identifiers: ClinVar variation 864674 (VCV000864674.9), dbSNP rs1755224830, ClinGen allele CA916082701.

ClinVar aggregate classification (germline): Pathogenic (1 of 4 stars; one submission).

Conditions:
Cornelia de Lange syndrome 1 (CDLS1). Also called: TYPUS DEGENERATIVUS AMSTELODAMENSIS; Brachmann de Lange syndrome; NIPBL-Related Cornelia de Lange Syndrome. Identifiers: Orphanet 199, MedGen C4551851, MONDO:0007387, OMIM 122470.

Submission:

Labcorp Genetics (formerly Invitae), Labcorp
Classification: Pathogenic for Cornelia de Lange syndrome 1. Last evaluated: 2019-05-22. Review status: criteria provided, single submitter. Criteria: Invitae Variant Classification Sherloc (09022015). Collection method: clinical testing. Allele origin: germline.
Comment: This sequence change results in a premature translational stop signal in the NIPBL gene (p.Leu2778*). While this is not anticipated to result in nonsense mediated decay, it is expected to disrupt the last 27 amino acids of the NIPBL protein. This variant is not present in population databases (ExAC no frequency). This variant disrupts the C-terminus of the NIPBL protein. Other variant(s) that disrupt this region (p.Arg2793*) have been observed in individuals with NIPBL-related conditions (PMID: 20824775). This suggests that this may be a clinically significant region of the protein. For these reasons, this variant has been classified as Pathogenic.

Literature cited by the submitters: PubMed 20824775.